The following is an entry in ClinVar:

ClinVar aggregate classification (germline): Uncertain significance (1 of 4 stars; one submission).

Conditions:
AGMO-related disorder. Also called: AGMO-related condition.

Submission:

PreventionGenetics, part of Exact Sciences
Classification: Uncertain significance for AGMO-related condition. Last evaluated: 2024-12-03. Review status: criteria provided, single submitter. Criteria: ACMG Guidelines, 2015. Collection method: clinical testing. Allele origin: germline.
Comment: The AGMO c.1075-2A>G variant is predicted to disrupt the AG splice acceptor site and interfere with normal splicing. To our knowledge, this variant has not been reported in the literature or in a large population database (gnomAD), indicating this variant is rare. At this time, the clinical significance of this variant is uncertain due to the absence of conclusive functional and genetic evidence.

NM_001004320.2(AGMO):c.1075-2A>G

Gene: AGMO (alkylglycerol monooxygenase; minus strand). Cytogenetic location: 7p21.2.
Variant type: single nucleotide variant.
Coding change: c.1075-2A>G on transcript NM_001004320.2 (MANE Select); the canonical splice acceptor site of the intron before coding-DNA position 1075, A replaced by G.
Molecular consequence: splice acceptor variant.
Genome position (GRCh38, 1-based): chr7:15,366,224, T>C on the plus strand (A>G on the coding strand, the complement: AGMO is on the minus strand). VCF-style: chr7-15366224-T-C. GRCh37 (hg19) VCF-style: chr7-15405849-T-C.
Identifiers: ClinVar variation 5001769 (VCV005001769.1).